The following is an entry in ClinVar:

ClinVar aggregate classification (germline): Uncertain significance (1 of 4 stars; one submission).

Conditions:
Fanconi anemia (FA). Also called: Fanconi's anemia. Identifiers: Orphanet 84, MedGen C0015625, MeSH D005199, MONDO:0019391.

Allele frequency attached by ClinVar (database versions not stated): gnomAD exomes below 0.00001.
gnomAD v4.1: 1 of 1,612,758 alleles (0.000062%); highest among the groups gnomAD compares: Non-Finnish European, 0.000085%; no homozygotes.

Submission:

Labcorp Genetics (formerly Invitae), Labcorp
Classification: Uncertain significance for Fanconi anemia. Last evaluated: 2023-11-20. Review status: criteria provided, single submitter. Criteria: Invitae Variant Classification Sherloc (09022015). Collection method: clinical testing. Allele origin: germline.
Comment: This sequence change replaces glycine, which is neutral and non-polar, with arginine, which is basic and polar, at codon 221 of the FANCM protein (p.Gly221Arg). This variant is not present in population databases (gnomAD no frequency). This variant has not been reported in the literature in individuals affected with FANCM-related conditions. An algorithm developed to predict the effect of missense changes on protein structure and function (PolyPhen-2) suggests that this variant is likely to be disruptive. In summary, the available evidence is currently insufficient to determine the role of this variant in disease. Therefore, it has been classified as a Variant of Uncertain Significance.

NM_020937.4(FANCM):c.661G>A (p.Gly221Arg)

Gene: FANCM (FA complementation group M; plus strand). Cytogenetic location: 14q21.2.
Variant type: single nucleotide variant.
Coding change: c.661G>A on transcript NM_020937.4 (MANE Select); coding-DNA position 661, G replaced by A.
Protein change: p.Gly221Arg; replaces glycine 221 with arginine.
Molecular consequence: missense variant.
Genome position (GRCh38, 1-based): chr14:45,137,221, G>A. VCF-style: chr14-45137221-G-A. GRCh37 (hg19) VCF-style: chr14-45606424-G-A.
Other names: c.661G>A, p.Gly221Arg (NM_001308133.2, NM_001308134.2); short protein forms G221R.
Identifiers: ClinVar variation 2721362 (VCV002721362.3), dbSNP rs2139107182, ClinGen allele CA389588937.
Genomic context (GRCh38, chr14:45,137,221, plus strand): 5'-GGAGCTTGTCCCGCTGCTGAAATAAAGTGTTTAGTTATTGATGAAGCTCATAAAGCTCTC[G>A]GAAACTATGCTTATTGCCAGGTAATAATTTTGTTAAACGGTATTTTGTATTGTAACTGTA-3'
Protein context (NP_065988.1, residues 211-231): LVIDEAHKAL[Gly221Arg]NYAYCQVVRE